The following is an entry in ClinVar:

NM_017617.5(NOTCH1):c.6857T>A (p.Leu2286Gln)

Gene: NOTCH1 (notch receptor 1; minus strand). Cytogenetic location: 9q34.3.
Variant type: single nucleotide variant.
Coding change: c.6857T>A on transcript NM_017617.5 (MANE Select); coding-DNA position 6857, T replaced by A.
Protein change: p.Leu2286Gln; replaces leucine 2286 with glutamine.
Molecular consequence: missense variant.
Genome position (GRCh38, 1-based): chr9:136,496,882, A>T on the plus strand (T>A on the coding strand, the complement: NOTCH1 is on the minus strand). VCF-style: chr9-136496882-A-T. GRCh37 (hg19) VCF-style: chr9-139391334-A-T.
Other names: short protein forms L2286Q.
Identifiers: ClinVar variation 1755817 (VCV001755817.5), dbSNP rs916561985, ClinGen allele CA201633361.

ClinVar aggregate classification (germline): Uncertain significance. Review status: criteria provided, multiple submitters, no conflicts (2 of 4 stars). 2 submissions from 2 submitters: Uncertain significance (2). Last evaluated 2023-12-02.

Conditions:
Adams-Oliver syndrome 5 (AOS5). Identifiers: Orphanet 974, MedGen C4014970, MONDO:0014459, OMIM 616028.
Familial thoracic aortic aneurysm and aortic dissection (TAAD). Also called: Thoracic aortic aneurysms and dissections. Identifiers: Orphanet 91387, MedGen C4707243, MONDO:0019625.

Allele frequency attached by ClinVar (database versions not stated): gnomAD exomes below 0.00001; gnomAD 0.00001; TOPMed 0.00001.
gnomAD v4.1: 7 of 1,612,768 alleles (0.00043%); highest among the groups gnomAD compares: African/African-American, 0.0093%; no homozygotes.

Submissions (2):

Labcorp Genetics (formerly Invitae), Labcorp
Classification: Uncertain significance for Adams-Oliver syndrome 5. Last evaluated: 2023-12-02. Review status: criteria provided, single submitter. Criteria: Invitae Variant Classification Sherloc (09022015). Collection method: clinical testing. Allele origin: germline.
Comment: This sequence change replaces leucine, which is neutral and non-polar, with glutamine, which is neutral and polar, at codon 2286 of the NOTCH1 protein (p.Leu2286Gln). This variant is not present in population databases (gnomAD no frequency). This variant has not been reported in the literature in individuals affected with NOTCH1-related conditions. ClinVar contains an entry for this variant (Variation ID: 1755817). Advanced modeling of protein sequence and biophysical properties (such as structural, functional, and spatial information, amino acid conservation, physicochemical variation, residue mobility, and thermodynamic stability) performed at Invitae indicates that this missense variant is not expected to disrupt NOTCH1 protein function with a negative predictive value of 95%. In summary, the available evidence is currently insufficient to determine the role of this variant in disease. Therefore, it has been classified as a Variant of Uncertain Significance.

Ambry Genetics
Classification: Uncertain significance for Familial thoracic aortic aneurysm and aortic dissection. Last evaluated: 2022-04-09. Review status: criteria provided, single submitter. Criteria: Ambry Variant Classification Scheme 2023. Collection method: clinical testing. Allele origin: germline.
Comment: The p.L2286Q variant (also known as c.6857T>A), located in coding exon 34 of the NOTCH1 gene, results from a T to A substitution at nucleotide position 6857. The leucine at codon 2286 is replaced by glutamine, an amino acid with dissimilar properties. This amino acid position is conserved. In addition, the in silico prediction for this alteration is inconclusive. Since supporting evidence is limited at this time, the clinical significance of this alteration remains unclear.